The following is an entry in ClinVar:

NM_001563.4(IMPG1):c.2129G>A (p.Cys710Tyr)

Gene: IMPG1 (interphotoreceptor matrix proteoglycan 1; minus strand). Cytogenetic location: 6q14.1.
Variant type: single nucleotide variant.
Coding change: c.2129G>A on transcript NM_001563.4 (MANE Select); coding-DNA position 2129, G replaced by A.
Protein change: p.Cys710Tyr; replaces cysteine 710 with tyrosine.
Molecular consequence: missense variant.
Genome position (GRCh38, 1-based): chr6:75,931,067, C>T on the plus strand (G>A on the coding strand, the complement: IMPG1 is on the minus strand). VCF-style: chr6-75931067-C-T. GRCh37 (hg19) VCF-style: chr6-76640784-C-T.
Other names: c.1895G>A, p.Cys632Tyr (NM_001282368.2); short protein forms C632Y, C710Y.
Identifiers: ClinVar variation 1513484 (VCV001513484.7), dbSNP rs1009786043, ClinGen allele CA141071225.

ClinVar aggregate classification (germline): Uncertain significance. Review status: criteria provided, multiple submitters, no conflicts (2 of 4 stars). 2 submissions from 2 submitters: Uncertain significance (2). Last evaluated 2023-07-06.

Allele frequency attached by ClinVar (database versions not stated): gnomAD exomes below 0.00001; TOPMed below 0.00001; gnomAD 0.00001.
gnomAD v4.1: 5 of 1,614,064 alleles (0.00031%); highest among the groups gnomAD compares: Non-Finnish European, 0.00034%; no homozygotes.

Submissions (2):

Blueprint Genetics
Classification: Uncertain significance. Last evaluated: 2023-07-06. Review status: criteria provided, single submitter. Criteria: ACMG Guidelines, 2015. Collection method: clinical testing. Allele origin: germline.

Labcorp Genetics (formerly Invitae), Labcorp
Classification: Uncertain significance. Last evaluated: 2023-04-08. Review status: criteria provided, single submitter. Criteria: Invitae Variant Classification Sherloc (09022015). Collection method: clinical testing. Allele origin: germline.
Comment: This variant is not present in population databases (gnomAD no frequency). This sequence change replaces cysteine, which is neutral and slightly polar, with tyrosine, which is neutral and polar, at codon 710 of the IMPG1 protein (p.Cys710Tyr). This variant has not been reported in the literature in individuals affected with IMPG1-related conditions. In summary, the available evidence is currently insufficient to determine the role of this variant in disease. Therefore, it has been classified as a Variant of Uncertain Significance. An algorithm developed to predict the effect of missense changes on protein structure and function (PolyPhen-2) suggests that this variant is likely to be disruptive. ClinVar contains an entry for this variant (Variation ID: 1513484).